The following is an entry in ClinVar:

ClinVar aggregate classification (germline): Uncertain significance (1 of 4 stars; one submission).

Submission:

Labcorp Genetics (formerly Invitae), Labcorp
Classification: Uncertain significance. Last evaluated: 2024-10-09. Review status: criteria provided, single submitter. Criteria: Invitae Variant Classification Sherloc (09022015). Collection method: clinical testing. Allele origin: germline.
Comment: This sequence change replaces arginine, which is basic and polar, with cysteine, which is neutral and slightly polar, at codon 192 of the PAX4 protein (p.Arg192Cys). This variant is present in population databases (rs3824004, gnomAD 0.002%). This variant has not been reported in the literature in individuals affected with PAX4-related conditions. An algorithm developed to predict the effect of missense changes on protein structure and function (PolyPhen-2) suggests that this variant is likely to be disruptive. In summary, the available evidence is currently insufficient to determine the role of this variant in disease. Therefore, it has been classified as a Variant of Uncertain Significance.

NM_001366110.1(PAX4):c.598C>T (p.Arg200Cys)

Gene: PAX4 (paired box 4; minus strand). Cytogenetic location: 7q32.1.
Variant type: single nucleotide variant.
Coding change: c.598C>T on transcript NM_001366110.1 (MANE Select); coding-DNA position 598, C replaced by T.
Protein change: p.Arg200Cys; replaces arginine 200 with cysteine.
Molecular consequence: missense variant.
Genome position (GRCh38, 1-based): chr7:127,613,497, G>A on the plus strand (C>T on the coding strand, the complement: PAX4 is on the minus strand). VCF-style: chr7-127613497-G-A. GRCh37 (hg19) VCF-style: chr7-127253551-G-A.
Other names: c.598C>T, p.Arg200Cys (NM_001366111.1); short protein forms R200C.
Identifiers: ClinVar variation 3671870 (VCV003671870.2).